The following is an entry in ClinVar:

ClinVar aggregate classification (germline): Pathogenic (1 of 4 stars; one submission).

Conditions:
Citrullinemia. Identifiers: Orphanet 187, MedGen C0175683, MONDO:0015991.

Submission:

Natera, Inc.
Classification: Pathogenic for Citrullinemia. Last evaluated: 2025-09-16. Review status: criteria provided, single submitter. Criteria: Natera Variant Classification Schema (03/2026). Collection method: clinical testing. Allele origin: germline.
Comment: The c.1177+1G>T variant in SLC25A13 is a canonical splice donor site variant predicted to affect pre-mRNA splicing, which may result in an abnormal transcript and altered protein product. This variant is expected to result in nonsense mediated decay, truncation, or a dysfunctional protein product. This variant is rare in the general population with a frequency below the threshold expected for the associated phenotype(s). Another variant at this same site results in an alteration predicted to cause a similar molecular effect has been observed in individual(s) with the associated phenotype. Given the available evidence, this variant is classified as Pathogenic.

NM_014251.3(SLC25A13):c.1177+1G>T

Gene: SLC25A13 (solute carrier family 25 member 13; minus strand). Cytogenetic location: 7q21.3.
Variant type: single nucleotide variant.
Coding change: c.1177+1G>T on transcript NM_014251.3 (MANE Select); the canonical splice donor site of the intron after coding-DNA position 1177, G replaced by T.
Molecular consequence: splice donor variant.
Genome position (GRCh38, 1-based): chr7:96,184,276, C>A on the plus strand (G>T on the coding strand, the complement: SLC25A13 is on the minus strand). VCF-style: chr7-96184276-C-A. GRCh37 (hg19) VCF-style: chr7-95813588-C-A.
Other names: c.1180+1G>T (NM_001160210.2).
Identifiers: ClinVar variation 4815628 (VCV004815628.1).